The following is an entry in ClinVar:

NM_001080453.3(INTS1):c.1794C>T (p.Pro598=)

Gene: INTS1 (integrator complex subunit 1; minus strand). Cytogenetic location: 7p22.3.
Variant type: single nucleotide variant.
Coding change: c.1794C>T on transcript NM_001080453.3 (MANE Select); coding-DNA position 1794, C replaced by T.
Protein change: p.Pro598=; no amino-acid change (proline 598 retained).
Molecular consequence: synonymous variant.
Genome position (GRCh38, 1-based): chr7:1,495,471, G>A on the plus strand (C>T on the coding strand, the complement: INTS1 is on the minus strand). VCF-style: chr7-1495471-G-A. GRCh37 (hg19) VCF-style: chr7-1535107-G-A.
Identifiers: ClinVar variation 3778229 (VCV003778229.7).

ClinVar aggregate classification (germline): Likely benign (1 of 4 stars; one submission).

Submission:

CeGaT Center for Human Genetics Tuebingen
Classification: Likely benign. Last evaluated: 2025-03-01. Review status: criteria provided, single submitter. Criteria: CeGaT Center For Human Genetics Tuebingen Variant Classification Criteria Version 2. Collection method: clinical testing. Allele origin: germline. Affected: yes. Observed: 1 variant allele.
Comment: INTS1: BP4, BP7